The following is an entry in ClinVar:

NM_004006.3(DMD):c.8391-5T>C

Gene: DMD (dystrophin; minus strand). Cytogenetic location: Xp21.2.
Variant type: single nucleotide variant.
Coding change: c.8391-5T>C on transcript NM_004006.3 (MANE Select); 5 bases into the intron before coding-DNA position 8391, T replaced by C.
Molecular consequence: intron variant.
Genome position (GRCh38, 1-based): chrX:31,496,949, A>G on the plus strand (T>C on the coding strand, the complement: DMD is on the minus strand). VCF-style: chrX-31496949-A-G. GRCh37 (hg19) VCF-style: chrX-31515066-A-G.
Other names: c.8391-5T>C (NM_004006.2); c.8367-5T>C (NM_000109.4); c.4368-5T>C (NM_004011.4); c.4359-5T>C (NM_004012.4); c.1011-5T>C (NM_004023.3, NM_004020.4, NM_004022.3 and 2 more transcripts); c.204-5T>C (NM_004014.3); c.8379-5T>C (NM_004009.3); c.8022-5T>C (NM_004010.3).
Identifiers: ClinVar variation 2730722 (VCV002730722.4), dbSNP rs2069924535, ClinGen allele CA2422452633.

ClinVar aggregate classification (germline): Likely benign. Review status: criteria provided, multiple submitters, no conflicts (2 of 4 stars). 2 submissions from 2 submitters: Likely benign (2). Last evaluated 2025-08-21.

Conditions:
DMD-related disorder. Also called: DMD-related condition.
Duchenne muscular dystrophy (DMD). Also called: Duchenne Muscular Dystrophy (DMD); MUSCULAR DYSTROPHY, PSEUDOHYPERTROPHIC PROGRESSIVE, DUCHENNE TYPE. Identifiers: Orphanet 98896, MedGen C0013264, MONDO:0010679, OMIM 310200.

Allele frequency attached by ClinVar (database versions not stated): TOPMed below 0.00001.

Submissions (2):

PreventionGenetics, part of Exact Sciences
Classification: Likely benign for DMD-related condition. Last evaluated: 2025-08-21. Review status: criteria provided, single submitter. Criteria: ACMG Guidelines, 2015. Collection method: clinical testing. Allele origin: germline.
Comment: This variant is classified as likely benign based on ACMG/AMP sequence variant interpretation guidelines (Richards et al. 2015 PMID: 25741868, with internal and published modifications).

Labcorp Genetics (formerly Invitae), Labcorp
Classification: Likely benign for Duchenne muscular dystrophy. Last evaluated: 2024-04-29. Review status: criteria provided, single submitter. Criteria: Invitae Variant Classification Sherloc (09022015). Collection method: clinical testing. Allele origin: germline.